The following is an entry in ClinVar:

ClinVar aggregate classification (germline): Uncertain significance (1 of 4 stars; one submission).

Conditions:
Arrhythmogenic right ventricular dysplasia 9 (ARVD9). Also called: Arrhythmogenic Right Ventricular Dysplasia/Cardiomyopathy 9; ARRHYTHMOGENIC RIGHT VENTRICULAR DYSPLASIA, FAMILIAL, 9. Identifiers: MedGen C1836906, MONDO:0012180, OMIM 609040.

Submission:

Labcorp Genetics (formerly Invitae), Labcorp
Classification: Uncertain significance for Arrhythmogenic right ventricular dysplasia 9. Last evaluated: 2025-06-27. Review status: criteria provided, single submitter. Criteria: Invitae Variant Classification Sherloc (09022015). Collection method: clinical testing. Allele origin: germline.
Comment: This sequence change replaces glutamine, which is neutral and polar, with arginine, which is basic and polar, at codon 628 of the PKP2 protein (p.Gln628Arg). This variant is not present in population databases (gnomAD no frequency). This variant has not been reported in the literature in individuals affected with PKP2-related conditions. An algorithm developed to predict the effect of missense changes on protein structure and function (PolyPhen-2) suggests that this variant is likely to be disruptive. In summary, the available evidence is currently insufficient to determine the role of this variant in disease. Therefore, it has been classified as a Variant of Uncertain Significance.

NM_001005242.3(PKP2):c.1751A>G (p.Gln584Arg)

Gene: PKP2 (plakophilin 2; minus strand). Cytogenetic location: 12p11.21.
Variant type: single nucleotide variant.
Coding change: c.1751A>G on transcript NM_001005242.3 (MANE Select); coding-DNA position 1751, A replaced by G.
Protein change: p.Gln584Arg; replaces glutamine 584 with arginine.
Molecular consequence: missense variant. On other transcripts: intron variant (1).
Genome position (GRCh38, 1-based): chr12:32,822,555, T>C on the plus strand (A>G on the coding strand, the complement: PKP2 is on the minus strand). VCF-style: chr12-32822555-T-C. GRCh37 (hg19) VCF-style: chr12-32975489-T-C.
Other names: c.1751A>G, p.Gln584Arg (NM_001407155.1, NM_001407161.1); c.1883A>G, p.Gln628Arg (NM_001407157.1, NM_004572.4); c.1424A>G, p.Gln475Arg (NM_001407158.1, NM_001407159.1, NM_001407160.1 and 1 more transcripts); c.1675-1026A>G (NM_001407156.1); short protein forms Q584R, Q628R, Q475R.
Identifiers: ClinVar variation 4765256 (VCV004765256.1).